The following is an entry in ClinVar:

chr19:54754752-55624113 complex variant

Genes: CDC42EP5 (CDC42 effector protein 5; minus strand), EPS8L1 (EPS8 signaling adaptor L1; plus strand), FCAR (Fc alpha receptor), GP6 (glycoprotein VI platelet; minus strand), KIR2DL1 (killer cell immunoglobulin like receptor, two Ig domains and long cytoplasmic tail 1) and 25 more. Cytogenetic location: 19q13.42.
Variant type: Complex.
Identifiers: ClinVar variation 221353 (VCV000221353.2).

ClinVar aggregate classification (germline): Uncertain significance (0 of 4 stars; one submission).

Conditions:
Breast ductal adenocarcinoma. Also called: Ductal breast carcinoma; Breast cancer, invasive ductal. Identifiers: MedGen C1527349, MONDO:0005590.

Submission:

Next Generation Diagnostics, Novartis Institutes for BioMedical Research, Inc.
Classification: Uncertain significance for Breast ductal adenocarcinoma. Last evaluated: 2015-07-20. Review status: no assertion criteria provided. Collection method: research. Allele origin: somatic. Affected: yes.
Comment: Loss of heterozygosity